The following is an entry in ClinVar:

ClinVar aggregate classification (germline): Benign. Review status: criteria provided, multiple submitters, no conflicts (2 of 4 stars). 2 submissions from 2 submitters: Benign (2). Last evaluated 2018-06-14.

Allele frequency attached by ClinVar (database versions not stated): gnomAD exomes 0.01905; 1000 Genomes Project 0.02057; TOPMed 0.03833; gnomAD 0.03924 and 0.03913; 1000 Genomes Project 30x 0.02171.

Submissions (2):

GeneDx
Classification: Benign. Last evaluated: 2018-06-14. Review status: criteria provided, single submitter. Criteria: GeneDx Variant Classification (06012015). Collection method: clinical testing. Allele origin: germline. Affected: yes.
Comment: This variant is considered likely benign or benign based on one or more of the following criteria: it is a conservative change, it occurs at a poorly conserved position in the protein, it is predicted to be benign by multiple in silico algorithms, and/or has population frequency not consistent with disease.

Breakthrough Genomics
Classification: Benign. Review status: criteria provided, single submitter. Criteria: ACMG Guidelines, 2015. Collection method: not provided. Allele origin: germline. Inheritance: Autosomal recessive inheritance. Affected: yes.

NM_000016.5(ACADM):c.-436C>G

Gene: ACADM (acyl-CoA dehydrogenase medium chain; plus strand). Cytogenetic location: 1p31.1.
Variant type: single nucleotide variant.
Coding change: c.-436C>G on transcript NM_000016.5; 436 bases upstream of the start codon, C replaced by G.
Genome position (GRCh38, 1-based): chr1:75,724,352, C>G. VCF-style: chr1-75724352-C-G. GRCh37 (hg19) VCF-style: chr1-76190037-C-G.
Identifiers: ClinVar variation 674048 (VCV000674048.4), dbSNP rs114802787, ClinGen allele CA16057462.